The following is an entry in ClinVar:

NM_000523.4(HOXD13):c.938C>G (p.Thr313Arg)

Gene: HOXD13 (homeobox D13; plus strand). Cytogenetic location: 2q31.1.
Variant type: single nucleotide variant.
Coding change: c.938C>G on transcript NM_000523.4 (MANE Select); coding-DNA position 938, C replaced by G.
Protein change: p.Thr313Arg; replaces threonine 313 with arginine.
Molecular consequence: missense variant.
Genome position (GRCh38, 1-based): chr2:176,094,636, C>G. VCF-style: chr2-176094636-C-G. GRCh37 (hg19) VCF-style: chr2-176959364-C-G.
Other names: short protein forms T313R.
Identifiers: ClinVar variation 2499278 (VCV002499278.1), dbSNP rs1432063993, ClinGen allele CA349353841.

ClinVar aggregate classification (germline): Likely pathogenic (1 of 4 stars; one submission).

gnomAD v4.1: 1 of 1,613,880 alleles (0.000062%); highest among the groups gnomAD compares: Non-Finnish European, 0.000085%; no homozygotes.

Submission:

GeneDx
Classification: Likely pathogenic. Last evaluated: 2022-10-08. Review status: criteria provided, single submitter. Criteria: GeneDx Variant Classification Process June 2021. Collection method: clinical testing. Allele origin: germline. Affected: yes.
Comment: Published functional studies demonstrate T313R causes impaired DNA binding function (Ibrahim et al., 2016); In silico analysis supports that this missense variant has a deleterious effect on protein structure/function; Not observed at significant frequency in large population cohorts (gnomAD); This variant is associated with the following publications: (PMID: 34321610, 26581570)